The following is an entry in ClinVar:

ClinVar aggregate classification (germline): Benign/Likely benign. Review status: criteria provided, multiple submitters, no conflicts (2 of 4 stars). 10 submissions from 9 submitters: Benign (4); Likely benign (5). 1 of the submissions does not count toward it. Last evaluated 2026-01-28.

Conditions:
ACTG1-related disorder. Also called: ACTG1-related condition; ACTG1-related disorders.
Autosomal dominant nonsyndromic hearing loss 20. Identifiers: Orphanet 90635, MedGen C1858172, MONDO:0011480, OMIM 604717.
Baraitser-winter syndrome 2. Identifiers: Orphanet 2995, MedGen C3281235, MONDO:0013812, OMIM 614583.

Allele frequency attached by ClinVar (database versions not stated): ESP Exome Variant Server 0.00008; ExAC 0.00022; gnomAD 0.00023 and 0.00025; TOPMed 0.00023; gnomAD exomes 0.00026.
gnomAD v4.1: 360 of 1,613,896 alleles (0.022%); highest among the groups gnomAD compares: Middle Eastern, 1.5%; 4 homozygotes.

Submissions (10):

Labcorp Genetics (formerly Invitae), Labcorp
Classification: Benign for Baraitser-winter syndrome 2; Autosomal dominant nonsyndromic hearing loss 20. Last evaluated: 2026-01-28. Review status: criteria provided, single submitter. Criteria: Invitae Variant Classification Sherloc (09022015). Collection method: clinical testing. Allele origin: germline.

CeGaT Center for Human Genetics Tuebingen
Classification: Likely benign. Last evaluated: 2025-12-01. Review status: criteria provided, single submitter. Criteria: CeGaT Center For Human Genetics Tuebingen Variant Classification Criteria Version 2. Collection method: clinical testing. Allele origin: germline. Affected: yes. Observed: 9 variant alleles.
Comment: ACTG1: BP4, BP7

Mayo Clinic Laboratories, Mayo Clinic
Classification: Likely benign. Last evaluated: 2025-08-12. Review status: criteria provided, single submitter. Criteria: ACMG Guidelines, 2015. Collection method: clinical testing. Allele origin: germline. Observed: 1 variant allele.
Comment: BS2, BP4, BP7

Blueprint Genetics
Classification: Likely benign. Last evaluated: 2024-11-26. Review status: criteria provided, single submitter. Criteria: ACMG Guidelines, 2015. Collection method: clinical testing. Allele origin: germline.

Genome-Nilou Lab
Classification: Benign for Baraitser-winter syndrome 2. Last evaluated: 2021-12-05. Review status: criteria provided, single submitter. Criteria: ACMG Guidelines, 2015. Collection method: clinical testing. Allele origin: germline. Affected: no.

Genome-Nilou Lab
Classification: Benign for Autosomal dominant nonsyndromic hearing loss 20. Last evaluated: 2021-12-05. Review status: criteria provided, single submitter. Criteria: ACMG Guidelines, 2015. Collection method: clinical testing. Allele origin: germline. Affected: no.

GeneDx
Classification: Benign. Last evaluated: 2017-12-14. Review status: criteria provided, single submitter. Criteria: GeneDx Variant Classification (06012015). Collection method: clinical testing. Allele origin: germline. Affected: yes.
Comment: This variant is considered likely benign or benign based on one or more of the following criteria: it is a conservative change, it occurs at a poorly conserved position in the protein, it is predicted to be benign by multiple in silico algorithms, and/or has population frequency not consistent with disease.

Laboratory for Molecular Medicine, Mass General Brigham Personalized Medicine
Classification: Likely benign. Last evaluated: 2015-11-25. Review status: criteria provided, single submitter. Criteria: LMM Criteria. Collection method: clinical testing. Allele origin: germline. Observed: 3 variant alleles.
Comment: p.Gly182Gly in exon 4 of ACTG1: This variant is not expected to have clinical si gnificance because it does not alter an amino acid residue, is not located withi n the splice consensus sequence. It has been identified in 23/65430 of European chromosomes by the Exome Aggregation Consortium (ExAC;dbSNP rs61997063).

Breakthrough Genomics
Classification: Likely benign. Review status: criteria provided, single submitter. Criteria: ACMG Guidelines, 2015. Collection method: not provided. Allele origin: germline. Inheritance: Autosomal dominant inheritance. Affected: yes.

PreventionGenetics, part of Exact Sciences
Classification: Likely benign for ACTG1-related condition. Last evaluated: 2024-08-15. Review status: no assertion criteria provided. Collection method: clinical testing. Allele origin: germline. Not counted in ClinVar's aggregate classification.
Comment: This variant is classified as likely benign based on ACMG/AMP sequence variant interpretation guidelines (Richards et al. 2015 PMID: 25741868, with internal and published modifications).

NM_001614.5(ACTG1):c.546C>T (p.Gly182=)

Gene: ACTG1 (actin gamma 1; minus strand). Cytogenetic location: 17q25.3.
Variant type: single nucleotide variant.
Coding change: c.546C>T on transcript NM_001614.5 (MANE Select); coding-DNA position 546, C replaced by T.
Protein change: p.Gly182=; no amino-acid change (glycine 182 retained).
Molecular consequence: synonymous variant. On other transcripts: non-coding transcript variant (1).
Genome position (GRCh38, 1-based): chr17:81,511,444, G>A on the plus strand (C>T on the coding strand, the complement: ACTG1 is on the minus strand). VCF-style: chr17-81511444-G-A. GRCh37 (hg19) VCF-style: chr17-79478470-G-A.
Other names: p.Gly182=; c.546C>T, p.Gly182= (NM_001199954.3).
Identifiers: ClinVar variation 178287 (VCV000178287.46), dbSNP rs61997063, ClinGen allele CA182038.
Genomic context (GRCh38, chr17:81,511,444, plus strand): 5'-GGTGGTGAAGCTGTAGCCTCGCTCAGTGAGGATCTTCATGAGGTAGTCGGTCAGGTCCCG[G>A]CCAGCCAGGTCCAGACGCAGGATGGCGTGGGGGAGGGCGTAGCCCTCGTAGATGGGCACC-3'
Protein context (NP_001605.1, residues 172-192): PHAILRLDLA[Gly182=]RDLTDYLMKI